The following is an entry in ClinVar:

ClinVar aggregate classification (germline): Uncertain significance. Review status: criteria provided, multiple submitters, no conflicts (2 of 4 stars). 2 submissions from 2 submitters: Uncertain significance (2). Last evaluated 2025-09-21.

Conditions:
Hereditary spastic paraplegia 30. Identifiers: Orphanet 101010, MedGen C5235139, MONDO:0012476.
Neuropathy, hereditary sensory, type 2C. Also called: Hereditary sensory and autonomic neuropathy type IIC; KIF1A-Related HSAN2 (HSAN2C). Identifiers: Orphanet 970, MedGen C3280168, MONDO:0013634, OMIM 614213.
Intellectual disability, autosomal dominant 9 (NESCAVS). Also called: NESCAV SYNDROME; KIF1A-Related Neurodevelopmental Disorder. Identifiers: Orphanet 662367, MedGen C5393830, MONDO:0013656, OMIM 614255.

Submissions (2):

Labcorp Genetics (formerly Invitae), Labcorp
Classification: Uncertain significance for Hereditary spastic paraplegia 30; Neuropathy, hereditary sensory, type 2C; Intellectual disability, autosomal dominant 9. Last evaluated: 2025-09-21. Review status: criteria provided, single submitter. Criteria: Invitae Variant Classification Sherloc (09022015). Collection method: clinical testing. Allele origin: germline.
Comment: This sequence change replaces leucine, which is neutral and non-polar, with arginine, which is basic and polar, at codon 973 of the KIF1A protein (p.Leu973Arg). This variant is not present in population databases (gnomAD no frequency). This variant has not been reported in the literature in individuals affected with KIF1A-related conditions. ClinVar contains an entry for this variant (Variation ID: 1807487). Invitae Evidence Modeling of protein sequence and biophysical properties (such as structural, functional, and spatial information, amino acid conservation, physicochemical variation, residue mobility, and thermodynamic stability) indicates that this missense variant is not expected to disrupt KIF1A protein function with a negative predictive value of 95%. In summary, the available evidence is currently insufficient to determine the role of this variant in disease. Therefore, it has been classified as a Variant of Uncertain Significance.

Athena Diagnostics
Classification: Uncertain significance. Last evaluated: 2022-05-02. Review status: criteria provided, single submitter. Criteria: Athena Diagnostics Criteria. Collection method: clinical testing. Allele origin: unknown.

NM_001244008.2(KIF1A):c.3221T>G (p.Leu1074Arg)

Gene: KIF1A (kinesin family member 1A; minus strand). Cytogenetic location: 2q37.3.
Variant type: single nucleotide variant.
Coding change: c.3221T>G on transcript NM_001244008.2 (MANE Select); coding-DNA position 3221, T replaced by G.
Protein change: p.Leu1074Arg; replaces leucine 1074 with arginine.
Molecular consequence: missense variant.
Genome position (GRCh38, 1-based): chr2:240,745,891, A>C on the plus strand (T>G on the coding strand, the complement: KIF1A is on the minus strand). VCF-style: chr2-240745891-A-C. GRCh37 (hg19) VCF-style: chr2-241685308-A-C.
Other names: c.2945T>G, p.Leu982Arg (NM_001320705.2, NM_001330289.2, NM_001379638.1); c.3020T>G, p.Leu1007Arg (NM_001330290.2, NM_001379634.1, NM_001379635.1 and 1 more transcripts); c.3296T>G, p.Leu1099Arg (NM_001379631.1); c.3170T>G, p.Leu1057Arg (NM_001379632.1); c.3194T>G, p.Leu1065Arg (NM_001379633.1, NM_001379642.1, NM_001379645.1); c.2918T>G, p.Leu973Arg (NM_001379636.1, NM_001379639.1, NM_001379641.1 and 6 more transcripts); c.2993T>G, p.Leu998Arg (NM_001379637.1, NM_001379648.1); c.2915T>G, p.Leu972Arg (NM_001379640.1); short protein forms L1007R, L1057R, L1065R, L1074R, L1099R, L972R, L973R, L982R.
Identifiers: ClinVar variation 1807487 (VCV001807487.2), dbSNP rs750268852, ClinGen allele CA351318695.